The following is an entry in ClinVar:

ClinVar aggregate classification (germline): Likely benign (1 of 4 stars; one submission).

Allele frequency attached by ClinVar (database versions not stated): gnomAD 0.00002; TOPMed 0.00002; gnomAD exomes 0.00003; ExAC 0.00005.
gnomAD v4.1: 51 of 1,613,842 alleles (0.0032%); highest among the groups gnomAD compares: Admixed American, 0.005%; no homozygotes.

Submission:

CeGaT Center for Human Genetics Tuebingen
Classification: Likely benign. Last evaluated: 2022-10-01. Review status: criteria provided, single submitter. Criteria: CeGaT Center For Human Genetics Tuebingen Variant Classification Criteria Version 2. Collection method: clinical testing. Allele origin: germline. Affected: yes. Observed: 1 variant allele.
Comment: ADCY4: BP4, BP7

NM_001198568.2(ADCY4):c.1404G>A (p.Glu468=)

Gene: ADCY4 (adenylate cyclase 4; minus strand). Cytogenetic location: 14q12.
Variant type: single nucleotide variant.
Coding change: c.1404G>A on transcript NM_001198568.2 (MANE Select); coding-DNA position 1404, G replaced by A.
Protein change: p.Glu468=; no amino-acid change (glutamic acid 468 retained).
Molecular consequence: synonymous variant.
Genome position (GRCh38, 1-based): chr14:24,329,181, C>T on the plus strand (G>A on the coding strand, the complement: ADCY4 is on the minus strand). VCF-style: chr14-24329181-C-T. GRCh37 (hg19) VCF-style: chr14-24798387-C-T.
Other names: c.1404G>A, p.Glu468= (NM_001198592.2, NM_139247.4).
Identifiers: ClinVar variation 2644138 (VCV002644138.24), dbSNP rs766342941, ClinGen allele CA7134603.